The following is an entry in ClinVar:

NM_022552.5(DNMT3A):c.640-3809C>G

Genes: DNMT3A (DNA methyltransferase 3 alpha; minus strand), LOC129933288 (ATAC-STARR-seq lymphoblastoid silent region 11249; plus strand). Cytogenetic location: 2p23.3.
Variant type: single nucleotide variant.
Coding change: c.640-3809C>G on transcript NM_022552.5 (MANE Select); 3809 bases into the intron before coding-DNA position 640, C replaced by G.
Molecular consequence: intron variant. On other transcripts: missense variant (1).
Genome position (GRCh38, 1-based): chr2:25,252,061, G>C on the plus strand (C>G on the coding strand, the complement: DNMT3A is on the minus strand). VCF-style: chr2-25252061-G-C. GRCh37 (hg19) VCF-style: chr2-25474930-G-C.
Other names: c.34C>G, p.Arg12Gly (NM_001320893.1); c.640-3809C>G (NM_175629.2); c.4+133C>G (NM_153759.3); c.-31+133C>G (NM_001375819.1); short protein forms R12G.
Identifiers: ClinVar variation 4980688 (VCV004980688.1).

ClinVar aggregate classification (germline): Uncertain significance (1 of 4 stars; one submission).

Conditions:
DNMT3A-related disorder. Also called: DNMT3A-related disorders; DNMT3A-related condition.

gnomAD v4.1: 103 of 1,217,708 alleles (0.0085%); highest among the groups gnomAD compares: Non-Finnish European, 0.011%; no homozygotes.

Submission:

PreventionGenetics, part of Exact Sciences
Classification: Uncertain significance for DNMT3A-related condition. Last evaluated: 2025-08-06. Review status: criteria provided, single submitter. Criteria: ACMG Guidelines, 2015. Collection method: clinical testing. Allele origin: germline.
Comment: The DNMT3A c.34C>G variant is predicted to result in the amino acid substitution p.Arg12Gly. To our knowledge, this variant has not been reported in the literature or in a large population database (gnomAD), indicating this variant is rare. At this time, the clinical significance of this variant is uncertain due to the absence of conclusive functional and genetic evidence.